The following is an entry in ClinVar:

NM_173651.4(FSIP2):c.11500T>C (p.Leu3834=)

Gene: FSIP2 (fibrous sheath interacting protein 2; plus strand). Cytogenetic location: 2q32.1.
Variant type: single nucleotide variant.
Coding change: c.11500T>C on transcript NM_173651.4 (MANE Select); coding-DNA position 11500, T replaced by C.
Protein change: p.Leu3834=; no amino-acid change (leucine 3834 retained).
Molecular consequence: synonymous variant.
Genome position (GRCh38, 1-based): chr2:185,800,806, T>C. VCF-style: chr2-185800806-T-C. GRCh37 (hg19) VCF-style: chr2-186665533-T-C.
Identifiers: ClinVar variation 3050763 (VCV003050763.2), dbSNP rs145201297, ClinGen allele CA2016956.
Genomic context (GRCh38, chr2:185,800,806, plus strand): 5'-CTTCAAGTAGATTACATGTCAGACCTTTTGGAGAATGTGGCAGAAATTGATCAAGACTTA[T>C]TGACATCAGACTCTATGCTTACTATTATTTCCCACAGCTTGGTTAAATCATTGATGGACA-3'
Protein context (NP_775922.3, residues 3824-3844): ENVAEIDQDL[Leu3834=]TSDSMLTIIS

ClinVar aggregate classification (germline): Benign (0 of 4 stars; one submission).

Conditions:
FSIP2-related disorder. Also called: FSIP2-related condition.

Allele frequency attached by ClinVar (database versions not stated): ExAC 0.00078; 1000 Genomes Project 0.00200; 1000 Genomes Project 30x 0.00203; gnomAD 0.00315; TOPMed 0.00357; gnomAD exomes 0.00032.
gnomAD v4.1: 932 of 1,534,386 alleles (0.061%); highest among the groups gnomAD compares: African/African-American, 1.1%; 5 homozygotes.

Submission:

PreventionGenetics, part of Exact Sciences
Classification: Benign for FSIP2-related condition. Last evaluated: 2024-08-30. Review status: no assertion criteria provided. Collection method: clinical testing. Allele origin: germline.
Comment: This variant is classified as benign based on ACMG/AMP sequence variant interpretation guidelines (Richards et al. 2015 PMID: 25741868, with internal and published modifications).